The following is an entry in ClinVar:

NM_000530.8(MPZ):c.113T>A (p.Val38Asp)

Gene: MPZ (myelin protein zero; minus strand). Cytogenetic location: 1q23.3.
Variant type: single nucleotide variant.
Coding change: c.113T>A on transcript NM_000530.8 (MANE Select); coding-DNA position 113, T replaced by A.
Protein change: p.Val38Asp; replaces valine 38 with aspartic acid.
Molecular consequence: missense variant.
Genome position (GRCh38, 1-based): chr1:161,307,379, A>T on the plus strand (T>A on the coding strand, the complement: MPZ is on the minus strand). VCF-style: chr1-161307379-A-T. GRCh37 (hg19) VCF-style: chr1-161277169-A-T.
Other names: c.113T>A, p.Val38Asp (NM_001315491.2); short protein forms V38D.
Identifiers: ClinVar variation 860059 (VCV000860059.9), dbSNP rs1670288801, ClinGen allele CA343351458.

ClinVar aggregate classification (germline): Likely pathogenic (1 of 4 stars; one submission).

Conditions:
Charcot-Marie-Tooth disease, type I (CMT1). Also called: Charcot-Marie-Tooth disease type 1; Charcot-Marie-Tooth, Type 1. Identifiers: Orphanet 65753, MedGen C0751036, MONDO:0019011.

Submission:

Labcorp Genetics (formerly Invitae), Labcorp
Classification: Likely pathogenic for Charcot-Marie-Tooth disease, type I. Last evaluated: 2019-03-06. Review status: criteria provided, single submitter. Criteria: Invitae Variant Classification Sherloc (09022015). Collection method: clinical testing. Allele origin: germline.
Comment: This sequence change replaces valine with aspartic acid at codon 38 of the MPZ protein (p.Val38Asp). The valine residue is highly conserved and there is a large physicochemical difference between valine and aspartic acid. In summary, the currently available evidence indicates that the variant is pathogenic, but additional data are needed to prove that conclusively. Therefore, this variant has been classified as Likely Pathogenic. Algorithms developed to predict the effect of missense changes on protein structure and function are either unavailable or do not agree on the potential impact of this missense change (SIFT: "Deleterious"; PolyPhen-2: "Possibly Damaging"; Align-GVGD: "Class C15"). This variant is not present in population databases (ExAC no frequency).